The following is an entry in ClinVar:

ClinVar aggregate classification (germline): Uncertain significance (1 of 4 stars; one submission).

Submission:

Labcorp Genetics (formerly Invitae), Labcorp
Classification: Uncertain significance. Last evaluated: 2023-04-11. Review status: criteria provided, single submitter. Criteria: Invitae Variant Classification Sherloc (09022015). Collection method: clinical testing. Allele origin: germline.
Comment: In summary, the available evidence is currently insufficient to determine the role of this variant in disease. Therefore, it has been classified as a Variant of Uncertain Significance. Advanced modeling of protein sequence and biophysical properties (such as structural, functional, and spatial information, amino acid conservation, physicochemical variation, residue mobility, and thermodynamic stability) performed at Invitae indicates that this missense variant is not expected to disrupt COL2A1 protein function. This variant has not been reported in the literature in individuals affected with COL2A1-related conditions. This variant is not present in population databases (gnomAD no frequency). This sequence change replaces alanine, which is neutral and non-polar, with threonine, which is neutral and polar, at codon 733 of the COL2A1 protein (p.Ala733Thr).

NM_001844.5(COL2A1):c.2197G>A (p.Ala733Thr)

Gene: COL2A1 (collagen type II alpha 1 chain; minus strand). Cytogenetic location: 12q13.11.
Variant type: single nucleotide variant.
Coding change: c.2197G>A on transcript NM_001844.5 (MANE Select); coding-DNA position 2197, G replaced by A.
Protein change: p.Ala733Thr; replaces alanine 733 with threonine.
Molecular consequence: missense variant.
Genome position (GRCh38, 1-based): chr12:47,982,606, C>T on the plus strand (G>A on the coding strand, the complement: COL2A1 is on the minus strand). VCF-style: chr12-47982606-C-T. GRCh37 (hg19) VCF-style: chr12-48376389-C-T.
Other names: c.1990G>A, p.Ala664Thr (NM_033150.3); short protein forms A733T, A664T.
Identifiers: ClinVar variation 2855162 (VCV002855162.3), dbSNP rs2540134425, ClinGen allele CA384546356.